The following is an entry in ClinVar:

NM_007118.4(TRIO):c.2038G>A (p.Val680Met)

Gene: TRIO (trio Rho guanine nucleotide exchange factor; plus strand). Cytogenetic location: 5p15.2.
Variant type: single nucleotide variant.
Coding change: c.2038G>A on transcript NM_007118.4 (MANE Select); coding-DNA position 2038, G replaced by A.
Protein change: p.Val680Met; replaces valine 680 with methionine.
Molecular consequence: missense variant. On other transcripts: non-coding transcript variant (1).
Genome position (GRCh38, 1-based): chr5:14,336,719, G>A. VCF-style: chr5-14336719-G-A. GRCh37 (hg19) VCF-style: chr5-14336828-G-A.
Other names: short protein forms V680M.
Identifiers: ClinVar variation 2499931 (VCV002499931.2), dbSNP rs1741450349, ClinGen allele CA359194512.
Genomic context (GRCh38, chr5:14,336,719, plus strand): 5'-GTTCGGCGTGTTGAGCAGCGAAAGATCCTACTGGACATGTCAGTGTCCTTTCACACCCAT[G>A]TGAAAGAGGTAAGGTGCCAGGAGACCAAAATATGATCTGTGCTTGAAAGGGTCTTTGAAC-3'
Protein context (NP_009049.2, residues 670-690): LDMSVSFHTH[Val680Met]KELWTWLEEL

ClinVar aggregate classification (germline): Uncertain significance. Review status: criteria provided, multiple submitters, no conflicts (2 of 4 stars). 2 submissions from 2 submitters: Uncertain significance (2). Last evaluated 2025-10-01.

Conditions:
Inborn genetic diseases. Identifiers: MedGen C0950123, MeSH D030342.

Allele frequency attached by ClinVar (database versions not stated): TOPMed below 0.00001; gnomAD 0.00001.
gnomAD v4.1: 1 of 1,614,078 alleles (0.000062%); highest among the groups gnomAD compares: African/African-American, 0.0013%; no homozygotes.

Submissions (2):

Ambry Genetics
Classification: Uncertain significance for Inborn genetic diseases. Last evaluated: 2025-10-01. Review status: criteria provided, single submitter. Criteria: Ambry Variant Classification Scheme 2023. Collection method: clinical testing. Allele origin: germline.

GeneDx
Classification: Uncertain significance. Last evaluated: 2022-10-24. Review status: criteria provided, single submitter. Criteria: GeneDx Variant Classification Process June 2021. Collection method: clinical testing. Allele origin: germline. Affected: yes.
Comment: Not observed at significant frequency in large population cohorts (gnomAD); In silico analysis supports that this missense variant does not alter protein structure/function; Has not been previously published as pathogenic or benign to our knowledge